The following is an entry in ClinVar:

NM_004484.4(GPC3):c.895T>C (p.Tyr299His)

Gene: GPC3 (glypican 3; minus strand). Cytogenetic location: Xq26.2.
Variant type: single nucleotide variant.
Coding change: c.895T>C on transcript NM_004484.4 (MANE Select); coding-DNA position 895, T replaced by C.
Protein change: p.Tyr299His; replaces tyrosine 299 with histidine.
Molecular consequence: missense variant.
Genome position (GRCh38, 1-based): chrX:133,753,619, A>G on the plus strand (T>C on the coding strand, the complement: GPC3 is on the minus strand). VCF-style: chrX-133753619-A-G. GRCh37 (hg19) VCF-style: chrX-132887646-A-G.
Other names: c.895T>C, p.Tyr299His (NM_001164617.2); c.847T>C, p.Tyr283His (NM_001164618.2); c.733T>C, p.Tyr245His (NM_001164619.2); short protein forms Y245H, Y283H, Y299H.
Identifiers: ClinVar variation 2104990 (VCV002104990.4), dbSNP rs2521353913, ClinGen allele CA414705354.

ClinVar aggregate classification (germline): Uncertain significance (1 of 4 stars; one submission).

Conditions:
Wilms tumor 1 (WT1). Also called: Wilms tumor, somatic. Identifiers: Orphanet 654, MedGen CN033288, MONDO:0008679, OMIM 194070.

Submission:

Labcorp Genetics (formerly Invitae), Labcorp
Classification: Uncertain significance for Wilms tumor 1. Last evaluated: 2022-08-23. Review status: criteria provided, single submitter. Criteria: Invitae Variant Classification Sherloc (09022015). Collection method: clinical testing. Allele origin: germline.
Comment: This sequence change replaces tyrosine, which is neutral and polar, with histidine, which is basic and polar, at codon 299 of the GPC3 protein (p.Tyr299His). This variant is not present in population databases (gnomAD no frequency). This variant has not been reported in the literature in individuals affected with GPC3-related conditions. Algorithms developed to predict the effect of missense changes on protein structure and function are either unavailable or do not agree on the potential impact of this missense change (SIFT: "Deleterious"; PolyPhen-2: "Probably Damaging"; Align-GVGD: "Class C15"). In summary, the available evidence is currently insufficient to determine the role of this variant in disease. Therefore, it has been classified as a Variant of Uncertain Significance.